The following is an entry in ClinVar:

ClinVar aggregate classification (germline): Uncertain significance (1 of 4 stars; one submission).

Conditions:
Charcot-Marie-Tooth disease axonal type 2O. Also called: CHARCOT-MARIE-TOOTH NEUROPATHY, AXONAL, TYPE 2O; CHARCOT-MARIE-TOOTH DISEASE, AXONAL, AUTOSOMAL DOMINANT, TYPE 2O; Charcot-Marie-Tooth Neuropathy Type 2O; Charcot-Marie-Tooth disease, axonal, type 20. Identifiers: Orphanet 284232, MedGen C3280220, MONDO:0013644, OMIM 614228.

Submission:

Labcorp Genetics (formerly Invitae), Labcorp
Classification: Uncertain significance for Charcot-Marie-Tooth disease axonal type 2O. Last evaluated: 2023-10-29. Review status: criteria provided, single submitter. Criteria: Invitae Variant Classification Sherloc (09022015). Collection method: clinical testing. Allele origin: germline.
Comment: This sequence change replaces alanine, which is neutral and non-polar, with glycine, which is neutral and non-polar, at codon 3512 of the DYNC1H1 protein (p.Ala3512Gly). This variant is not present in population databases (gnomAD no frequency). This variant has not been reported in the literature in individuals affected with DYNC1H1-related conditions. Advanced modeling of protein sequence and biophysical properties (such as structural, functional, and spatial information, amino acid conservation, physicochemical variation, residue mobility, and thermodynamic stability) performed at Invitae indicates that this missense variant is expected to disrupt DYNC1H1 protein function with a positive predictive value of 95%. In summary, the available evidence is currently insufficient to determine the role of this variant in disease. Therefore, it has been classified as a Variant of Uncertain Significance.

NM_001376.5(DYNC1H1):c.10535C>G (p.Ala3512Gly)

Gene: DYNC1H1 (dynein cytoplasmic 1 heavy chain 1; plus strand). Cytogenetic location: 14q32.31.
Variant type: single nucleotide variant.
Coding change: c.10535C>G on transcript NM_001376.5 (MANE Select); coding-DNA position 10535, C replaced by G.
Protein change: p.Ala3512Gly; replaces alanine 3512 with glycine.
Molecular consequence: missense variant.
Genome position (GRCh38, 1-based): chr14:102,034,097, C>G. VCF-style: chr14-102034097-C-G. GRCh37 (hg19) VCF-style: chr14-102500434-C-G.
Other names: short protein forms A3512G.
Identifiers: ClinVar variation 3003825 (VCV003003825.3), dbSNP rs1239283124, ClinGen allele CA391027092.